The following is an entry in ClinVar:

NM_005458.8(GABBR2):c.1511T>A (p.Ile504Asn)

Gene: GABBR2 (gamma-aminobutyric acid type B receptor subunit 2; minus strand). Cytogenetic location: 9q22.33.
Variant type: single nucleotide variant.
Coding change: c.1511T>A on transcript NM_005458.8 (MANE Select); coding-DNA position 1511, T replaced by A.
Protein change: p.Ile504Asn; replaces isoleucine 504 with asparagine.
Molecular consequence: missense variant.
Genome position (GRCh38, 1-based): chr9:98,388,872, A>T on the plus strand (T>A on the coding strand, the complement: GABBR2 is on the minus strand). VCF-style: chr9-98388872-A-T. GRCh37 (hg19) VCF-style: chr9-101151154-A-T.
Other names: short protein forms I504N.
Identifiers: ClinVar variation 4687027 (VCV004687027.1).
Genomic context (GRCh38, chr9:98,388,872, plus strand): 5'-ATTTAGAAAGTGATATCACAGAGGAGGACCAGGGTGGCTTACTTCTGATTCCGGTTCTTG[A>T]TGTTGAAGAAGAGAAAAGCACTGGCCATGATCATCCCGAGGATGGTGAGGGCAGAGAGGA-3'
Protein context (NP_005449.5, residues 494-514): IMASAFLFFN[Ile504Asn]KNRNQKLIKM

ClinVar aggregate classification (germline): Uncertain significance (1 of 4 stars; one submission).

Submission:

GeneDx
Classification: Uncertain significance. Last evaluated: 2025-07-23. Review status: criteria provided, single submitter. Criteria: GeneDx Variant Classification Process June 2021. Collection method: clinical testing. Allele origin: germline. Affected: yes.
Comment: Not observed at significant frequency in large population cohorts (gnomAD); In silico analysis supports that this missense variant has a deleterious effect on protein structure/function; Has not been previously published as pathogenic or benign to our knowledge